The following is an entry in ClinVar:

NM_017570.5(OPLAH):c.975del (p.Arg324_Tyr325insTer)

Gene: OPLAH (5-oxoprolinase, ATP-hydrolysing; minus strand). Cytogenetic location: 8q24.3.
Variant type: Deletion.
Coding change: c.975del on transcript NM_017570.5 (MANE Select); coding-DNA position 975, one base deleted (T; older notation c.975delT).
Protein change: p.Arg324_Tyr325insTer.
Molecular consequence: nonsense.
Genome position (GRCh38, 1-based): chr8:144,058,123, A deleted on the plus strand (T on the coding strand, the reverse complement: OPLAH is on the minus strand). VCF-style (leftmost placement, unchanged base first): chr8-144058122-CA-C. GRCh37 (hg19) VCF-style: chr8-145113025-CA-C.
Identifiers: ClinVar variation 4716570 (VCV004716570.1).

ClinVar aggregate classification (germline): Pathogenic (1 of 4 stars; one submission).

Conditions:
5-Oxoprolinase deficiency (OPLAHD). Also called: 5-OXOPROLINURIA DUE TO 5-OXOPROLINASE DEFICIENCY. Identifiers: Orphanet 33572, MedGen C0268525, MONDO:0009825, OMIM 260005, HP:0040142.

Submission:

Labcorp Genetics (formerly Invitae), Labcorp
Classification: Pathogenic for 5-Oxoprolinase deficiency. Last evaluated: 2025-04-09. Review status: criteria provided, single submitter. Criteria: Invitae Variant Classification Sherloc (09022015). Collection method: clinical testing. Allele origin: germline.
Comment: This sequence change creates a premature translational stop signal (p.Tyr325*) in the OPLAH gene. It is expected to result in an absent or disrupted protein product. Loss-of-function variants in OPLAH are known to be pathogenic (PMID: 21651516, 27477828). This variant is not present in population databases (gnomAD no frequency). This variant has not been reported in the literature in individuals affected with OPLAH-related conditions. For these reasons, this variant has been classified as Pathogenic.

Literature cited by the submitters: PubMed 21651516; PubMed 27477828.